The following is an entry in ClinVar:

ClinVar aggregate classification (germline): Uncertain significance. Review status: criteria provided, multiple submitters, no conflicts (2 of 4 stars). 2 submissions from 2 submitters: Uncertain significance (2). Last evaluated 2025-04-12.

Allele frequency attached by ClinVar (database versions not stated): gnomAD 0.00001; gnomAD exomes 0.00001; ExAC 0.00002.
gnomAD v4.1: 21 of 1,614,060 alleles (0.0013%); highest among the groups gnomAD compares: Non-Finnish European, 0.0018%; no homozygotes.

Submissions (2):

Ambry Genetics
Classification: Uncertain significance. Last evaluated: 2025-04-12. Review status: criteria provided, single submitter. Criteria: Ambry Variant Classification Scheme 2023. Collection method: clinical testing. Allele origin: germline.

Labcorp Genetics (formerly Invitae), Labcorp
Classification: Uncertain significance. Last evaluated: 2023-08-27. Review status: criteria provided, single submitter. Criteria: Invitae Variant Classification Sherloc (09022015). Collection method: clinical testing. Allele origin: germline.
Comment: This sequence change replaces proline, which is neutral and non-polar, with leucine, which is neutral and non-polar, at codon 135 of the RNF31 protein (p.Pro135Leu). This variant is present in population databases (rs770593083, gnomAD 0.002%). This variant has not been reported in the literature in individuals affected with RNF31-related conditions. An algorithm developed to predict the effect of missense changes on protein structure and function (PolyPhen-2) suggests that this variant is likely to be disruptive. In summary, the available evidence is currently insufficient to determine the role of this variant in disease. Therefore, it has been classified as a Variant of Uncertain Significance.

NM_017999.5(RNF31):c.404C>T (p.Pro135Leu)

Gene: RNF31 (ring finger protein 31; plus strand). Cytogenetic location: 14q12.
Variant type: single nucleotide variant.
Coding change: c.404C>T on transcript NM_017999.5 (MANE Select); coding-DNA position 404, C replaced by T.
Protein change: p.Pro135Leu; replaces proline 135 with leucine.
Molecular consequence: missense variant. On other transcripts: 5 prime UTR variant (1).
Genome position (GRCh38, 1-based): chr14:24,148,322, C>T. VCF-style: chr14-24148322-C-T. GRCh37 (hg19) VCF-style: chr14-24617531-C-T.
Other names: c.-114C>T (NM_001310332.2); c.404C>T (NM_017999.4); short protein forms P135L.
Identifiers: ClinVar variation 2990863 (VCV002990863.4), dbSNP rs770593083, ClinGen allele CA7125451.
Genomic context (GRCh38, chr14:24,148,322, plus strand): 5'-GCCGAGATGTGCTGCGATTATATGGCTACACAGAGGAGCAACCAGATGGGTTGAGCTTCC[C>T]CGAAGGGCAGGAGGAGCCAGATGAGCACCAGGTTGCTACAGTCACACTGGAAGTACTGCT-3'
Protein context (NP_060469.4, residues 125-145): TEEQPDGLSF[Pro135Leu]EGQEEPDEHQ